The following is an entry in ClinVar:

ClinVar aggregate classification (germline): Uncertain significance (1 of 4 stars; one submission).

Conditions:
Congenital myasthenic syndrome 2A. Also called: Myasthenic syndrome, congenital, 2a, slow-channel. Identifiers: Orphanet 590, MedGen C4225374, MONDO:0014581, OMIM 616313.

Allele frequency attached by ClinVar (database versions not stated): gnomAD exomes below 0.00001; ExAC 0.00001; TOPMed 0.00001.
gnomAD v4.1: 5 of 1,614,192 alleles (0.00031%); highest among the groups gnomAD compares: Admixed American, 0.005%; no homozygotes.

Submission:

Labcorp Genetics (formerly Invitae), Labcorp
Classification: Uncertain significance for Congenital myasthenic syndrome 2A. Last evaluated: 2022-03-04. Review status: criteria provided, single submitter. Criteria: Invitae Variant Classification Sherloc (09022015). Collection method: clinical testing. Allele origin: germline.
Comment: This variant has not been reported in the literature in individuals affected with CHRNB1-related conditions. This sequence change affects codon 168 of the CHRNB1 mRNA. It is a 'silent' change, meaning that it does not change the encoded amino acid sequence of the CHRNB1 protein. This variant is present in population databases (rs781757332, gnomAD 0.009%). Algorithms developed to predict the effect of sequence changes on RNA splicing suggest that this variant may create or strengthen a splice site. In summary, the available evidence is currently insufficient to determine the role of this variant in disease. Therefore, it has been classified as a Variant of Uncertain Significance.

NM_000747.3(CHRNB1):c.504G>T (p.Val168=)

Gene: CHRNB1 (cholinergic receptor nicotinic beta 1 subunit; plus strand). Cytogenetic location: 17p13.1.
Variant type: single nucleotide variant.
Coding change: c.504G>T on transcript NM_000747.3 (MANE Select); coding-DNA position 504, G replaced by T.
Protein change: p.Val168=; no amino-acid change (valine 168 retained).
Molecular consequence: synonymous variant.
Genome position (GRCh38, 1-based): chr17:7,447,544, G>T. VCF-style: chr17-7447544-G-T. GRCh37 (hg19) VCF-style: chr17-7350863-G-T.
Identifiers: ClinVar variation 2153710 (VCV002153710.4), dbSNP rs781757332, ClinGen allele CA8347796.